The following is an entry in ClinVar:

ClinVar aggregate classification (germline): Pathogenic (1 of 4 stars; one submission).

Submission:

Labcorp Genetics (formerly Invitae), Labcorp
Classification: Pathogenic. Last evaluated: 2024-07-11. Review status: criteria provided, single submitter. Criteria: Invitae Variant Classification Sherloc (09022015). Collection method: clinical testing. Allele origin: germline.
Comment: This sequence change creates a premature translational stop signal (p.Glu357Asnfs*42) in the SERPINF1 gene. While this is not anticipated to result in nonsense mediated decay, it is expected to disrupt the last 62 amino acid(s) of the SERPINF1 protein. This variant is not present in population databases (gnomAD no frequency). This variant has not been reported in the literature in individuals affected with SERPINF1-related conditions. Algorithms developed to predict the effect of sequence changes on RNA splicing suggest that this variant may create or strengthen a splice site. This variant disrupts a region of the SERPINF1 protein in which other variant(s) (p.Phe384Leufs*9) have been determined to be pathogenic (PMID: 25565926). This suggests that this is a clinically significant region of the protein, and that variants that disrupt it are likely to be disease-causing. For these reasons, this variant has been classified as Pathogenic.

Literature cited by the submitters: PubMed 25565926.

NM_002615.7(SERPINF1):c.1069del (p.Glu357fs)

Gene: SERPINF1 (serpin family F member 1; plus strand). Cytogenetic location: 17p13.3.
Variant type: Deletion.
Coding change: c.1069del on transcript NM_002615.7 (MANE Select); coding-DNA position 1069, one base deleted (G; older notation c.1069delG).
Protein change: p.Glu357fs; shifts the reading frame from glutamic acid 357.
Molecular consequence: frameshift variant.
Genome position (GRCh38, 1-based): chr17:1,777,258, G deleted; the last of 2 consecutive G bases (chr17:1,777,257-1,777,258); deleting either gives the same sequence. VCF-style (leftmost placement, unchanged base first): chr17-1777256-TG-T. GRCh37 (hg19) VCF-style: chr17-1680550-TG-T.
Other names: c.1069del, p.Glu357fs (NM_001329903.2); c.508del, p.Glu170fs (NM_001329904.2, NM_001329905.2); short protein forms E357fs, E170fs.
Identifiers: ClinVar variation 3659278 (VCV003659278.2).